The following is an entry in ClinVar:

ClinVar aggregate classification (germline): Uncertain significance. Review status: criteria provided, multiple submitters, no conflicts (2 of 4 stars). 2 submissions from 2 submitters: Uncertain significance (2). Last evaluated 2023-07-12.

Conditions:
Hereditary cancer-predisposing syndrome. Also called: Hereditary neoplastic syndrome; Tumor predisposition; Neoplastic Syndromes, Hereditary; Hereditary Cancer Syndrome. Identifiers: Orphanet 140162, MedGen C0027672, MeSH D009386, MONDO:0015356.
Bloom syndrome (BLM). Also called: Bloom-Torre-Machacek syndrome. Identifiers: Orphanet 125, MedGen C0005859, MONDO:0008876, OMIM 210900.

Submissions (2):

Ambry Genetics
Classification: Uncertain significance for Hereditary cancer-predisposing syndrome. Last evaluated: 2023-07-12. Review status: criteria provided, single submitter. Criteria: Ambry Variant Classification Scheme 2023. Collection method: clinical testing. Allele origin: germline.
Comment: The p.S1228Y variant (also known as c.3683C>A), located in coding exon 18 of the BLM gene, results from a C to A substitution at nucleotide position 3683. The serine at codon 1228 is replaced by tyrosine, an amino acid with dissimilar properties. This amino acid position is conserved. In addition, this alteration is predicted to be tolerated by in silico analysis. Since supporting evidence is limited at this time, the clinical significance of this alteration remains unclear.

Labcorp Genetics (formerly Invitae), Labcorp
Classification: Uncertain significance for Bloom syndrome. Last evaluated: 2020-12-27. Review status: criteria provided, single submitter. Criteria: Invitae Variant Classification Sherloc (09022015). Collection method: clinical testing. Allele origin: germline.
Comment: In summary, the available evidence is currently insufficient to determine the role of this variant in disease. Therefore, it has been classified as a Variant of Uncertain Significance. Algorithms developed to predict the effect of missense changes on protein structure and function are either unavailable or do not agree on the potential impact of this missense change (SIFT: "Tolerated"; PolyPhen-2: "Possibly Damaging"; Align-GVGD: "Class C0"). This variant has not been reported in the literature in individuals with BLM-related conditions. This variant is not present in population databases (ExAC no frequency). This sequence change replaces serine with tyrosine at codon 1228 of the BLM protein (p.Ser1228Tyr). The serine residue is weakly conserved and there is a large physicochemical difference between serine and tyrosine.

NM_000057.4(BLM):c.3683C>A (p.Ser1228Tyr)

Gene: BLM (BLM RecQ like helicase; plus strand). Cytogenetic location: 15q26.1.
Variant type: single nucleotide variant.
Coding change: c.3683C>A on transcript NM_000057.4 (MANE Select); coding-DNA position 3683, C replaced by A.
Protein change: p.Ser1228Tyr; replaces serine 1228 with tyrosine.
Molecular consequence: missense variant. On other transcripts: intron variant (1).
Genome position (GRCh38, 1-based): chr15:90,804,291, C>A. VCF-style: chr15-90804291-C-A. GRCh37 (hg19) VCF-style: chr15-91347521-C-A.
Other names: c.3683C>A (NM_000057.2); c.3683C>A, p.Ser1228Tyr (NM_001287246.2); c.2558C>A, p.Ser853Tyr (NM_001287248.2); c.3359-4846C>A (NM_001287247.2); short protein forms S1228Y, S853Y.
Identifiers: ClinVar variation 1503142 (VCV001503142.10), dbSNP rs1897236482, ClinGen allele CA393848160.